The following is an entry in ClinVar:

ClinVar aggregate classification (germline): Benign/Likely benign. Review status: criteria provided, multiple submitters, no conflicts (2 of 4 stars). 3 submissions from 3 submitters: Benign (1); Likely benign (2). Last evaluated 2025-07-02.

Conditions:
Prostate cancer, hereditary, 9 (HPC9). Identifiers: Orphanet 1331, MedGen C1970250, MONDO:0012597, OMIM 610997.

Allele frequency attached by ClinVar (database versions not stated): gnomAD exomes below 0.00001.

Submissions (3):

Labcorp Genetics (formerly Invitae), Labcorp
Classification: Likely benign. Last evaluated: 2025-07-02. Review status: criteria provided, single submitter. Criteria: Invitae Variant Classification Sherloc (09022015). Collection method: clinical testing. Allele origin: germline.

Myriad Genetics, Inc.
Classification: Benign for Prostate cancer, hereditary, 9. Last evaluated: 2024-10-28. Review status: criteria provided, single submitter. Criteria: Myriad Autosomal Dominant, Autosomal Recessive and X-Linked Classification Criteria (2023). Collection method: clinical testing. Allele origin: unknown.
Comment: This variant is considered benign. This variant is a silent/synonymous amino acid change and it is not expected to impact splicing.

Department of Pathology and Laboratory Medicine, Sinai Health System
Classification: Likely benign for Prostate cancer, hereditary, 9. Last evaluated: 2024-03-27. Review status: criteria provided, single submitter. Criteria: ACMG Guidelines, 2015. Collection method: clinical testing. Allele origin: germline. Affected: yes.

NM_006361.6(HOXB13):c.72G>A (p.Gly24=)

Gene: HOXB13 (homeobox B13; minus strand). Cytogenetic location: 17q21.32.
Variant type: single nucleotide variant.
Coding change: c.72G>A on transcript NM_006361.6 (MANE Select); coding-DNA position 72, G replaced by A.
Protein change: p.Gly24=; no amino-acid change (glycine 24 retained).
Molecular consequence: synonymous variant.
Genome position (GRCh38, 1-based): chr17:48,728,522, C>T on the plus strand (G>A on the coding strand, the complement: HOXB13 is on the minus strand). VCF-style: chr17-48728522-C-T. GRCh37 (hg19) VCF-style: chr17-46805884-C-T.
Other names: c.72G>A (NM_006361.5).
Identifiers: ClinVar variation 1663151 (VCV001663151.10), dbSNP rs2143075359, ClinGen allele CA500503060.